The following is an entry in ClinVar:

ClinVar aggregate classification (germline): Likely benign. Review status: criteria provided, multiple submitters, no conflicts (2 of 4 stars). 7 submissions from 7 submitters: Likely benign (7). Last evaluated 2026-01-28.

Conditions:
Cardiovascular phenotype. Identifiers: MedGen CN230736.
Cardiomyopathy (CMYO). Also called: Cardiomyopathies. Identifiers: Orphanet 167848, MedGen C0878544, MONDO:0004994, HP:0001638. Inheritance: Various modes of inheritance.
Hypertrophic cardiomyopathy. Also called: HYPERTROPHIC MYOCARDIOPATHY. Identifiers: Orphanet 217569, MedGen C0007194, MeSH D002312, MONDO:0005045, HP:0001639.

Allele frequency attached by ClinVar (database versions not stated): gnomAD exomes below 0.00001 and 0.00001; ExAC 0.00001; TOPMed 0.00002; gnomAD 0.00003.
gnomAD v4.1: 20 of 1,612,536 alleles (0.0012%); highest among the groups gnomAD compares: African/African-American, 0.0067%; 1 homozygote.

Submissions (7):

Labcorp Genetics (formerly Invitae), Labcorp
Classification: Likely benign for Hypertrophic cardiomyopathy. Last evaluated: 2026-01-28. Review status: criteria provided, single submitter. Criteria: Invitae Variant Classification Sherloc (09022015). Collection method: clinical testing. Allele origin: germline.

Blueprint Genetics
Classification: Likely benign. Last evaluated: 2024-08-16. Review status: criteria provided, single submitter. Criteria: ACMG Guidelines, 2015. Collection method: clinical testing. Allele origin: germline.

All of Us Research Program, National Institutes of Health
Classification: Likely benign for Hypertrophic cardiomyopathy. Last evaluated: 2023-09-05. Review status: criteria provided, single submitter. Criteria: ACMG Guidelines, 2015. Collection method: clinical testing. Allele origin: germline. Inheritance: Autosomal dominant inheritance. Observed: 3 variant alleles, 3 heterozygotes.
Comment: This study involves interpretation of variants in research participants for the purpose of population health screening. Participant phenotype was not available at the time of variant classification. Additional details can be found in publication PMID: 35346344, PMCID: PMC8962531

Ambry Genetics
Classification: Likely benign for Cardiovascular phenotype. Last evaluated: 2022-06-14. Review status: criteria provided, single submitter. Criteria: Ambry Variant Classification Scheme 2023. Collection method: clinical testing. Allele origin: germline.

CeGaT Center for Human Genetics Tuebingen
Classification: Likely benign. Last evaluated: 2022-06-01. Review status: criteria provided, single submitter. Criteria: CeGaT Center For Human Genetics Tuebingen Variant Classification Criteria Version 2. Collection method: clinical testing. Allele origin: germline. Affected: yes. Observed: 1 variant allele.
Comment: MYBPC3: BP4, BP7

Color Diagnostics, LLC DBA Color Health
Classification: Likely benign for Cardiomyopathy. Last evaluated: 2018-11-09. Review status: criteria provided, single submitter. Criteria: ACMG Guidelines, 2015. Collection method: clinical testing. Allele origin: germline.

Laboratory for Molecular Medicine, Mass General Brigham Personalized Medicine
Classification: Likely benign. Last evaluated: 2015-04-13. Review status: criteria provided, single submitter. Criteria: LMM Criteria. Collection method: clinical testing. Allele origin: germline. Observed: 1 variant allele.
Comment: p.Cys436Cys in exon 15 of MYBPC3: This variant is not expected to have clinical significance because it does not alter an amino acid residue and is not located within the splice consensus sequence. It has also been identified in 1/61040 Eur opean chromosomes by the Exome Aggregation Consortium (ExAC).

NM_000256.3(MYBPC3):c.1308C>T (p.Cys436=)

Gene: MYBPC3 (myosin binding protein C3; minus strand). Cytogenetic location: 11p11.2.
Variant type: single nucleotide variant.
Coding change: c.1308C>T on transcript NM_000256.3 (MANE Select); coding-DNA position 1308, C replaced by T.
Protein change: p.Cys436=; no amino-acid change (cysteine 436 retained).
Molecular consequence: synonymous variant.
Genome position (GRCh38, 1-based): chr11:47,343,064, G>A on the plus strand (C>T on the coding strand, the complement: MYBPC3 is on the minus strand). VCF-style: chr11-47343064-G-A. GRCh37 (hg19) VCF-style: chr11-47364615-G-A.
Identifiers: ClinVar variation 227562 (VCV000227562.51), dbSNP rs759826878, ClinGen allele CA077979.
Genomic context (GRCh38, chr11:47,343,064, plus strand): 5'-TCAGGTCCCAGGCCCACCTTTCACAAAGAGCTCCGTGCTACACTTCTCGCCACCCACCAC[G>A]CACTGGTAGGCTGCGTCGTCCGCCAATGAGCACTGGCTGATGGTCAGGGTACGCTTGGCA-3'
Protein context (NP_000247.2, residues 426-446): CSLADDAAYQ[Cys436=]VVGGEKCSTE